The following is an entry in ClinVar:

ClinVar aggregate classification (germline): Uncertain significance. Review status: criteria provided, multiple submitters, no conflicts (2 of 4 stars). 2 submissions from 2 submitters: Uncertain significance (2). Last evaluated 2025-06-09.

Conditions:
Hereditary cancer-predisposing syndrome. Also called: Neoplastic Syndromes, Hereditary; Hereditary neoplastic syndrome; Tumor predisposition; Hereditary Cancer Syndrome. Identifiers: Orphanet 140162, MedGen C0027672, MeSH D009386, MONDO:0015356.
Neuroblastoma, susceptibility to, 3. Also called: ALK-Related Neuroblastic Tumor Susceptibility. Identifiers: Orphanet 635, MedGen C2751681, MONDO:0013083, OMIM 613014.

Allele frequency attached by ClinVar (database versions not stated): gnomAD exomes below 0.00001 and 0.00001; TOPMed below 0.00001; gnomAD 0.00001; ExAC 0.00002.
gnomAD v4.1: 17 of 1,613,946 alleles (0.0011%); highest among the groups gnomAD compares: Non-Finnish European, 0.0014%; no homozygotes.

Submissions (2):

Labcorp Genetics (formerly Invitae), Labcorp
Classification: Uncertain significance for Neuroblastoma, susceptibility to, 3. Last evaluated: 2025-06-09. Review status: criteria provided, single submitter. Criteria: Invitae Variant Classification Sherloc (09022015). Collection method: clinical testing. Allele origin: germline.
Comment: This sequence change replaces leucine, which is neutral and non-polar, with valine, which is neutral and non-polar, at codon 506 of the ALK protein (p.Leu506Val). This variant is present in population databases (rs765773161, gnomAD 0.0009%). This variant has not been reported in the literature in individuals affected with ALK-related conditions. ClinVar contains an entry for this variant (Variation ID: 839587). An algorithm developed to predict the effect of missense changes on protein structure and function (PolyPhen-2) suggests that this variant is likely to be tolerated. In summary, the available evidence is currently insufficient to determine the role of this variant in disease. Therefore, it has been classified as a Variant of Uncertain Significance.

Ambry Genetics
Classification: Uncertain significance for Hereditary cancer-predisposing syndrome. Last evaluated: 2024-10-28. Review status: criteria provided, single submitter. Criteria: Ambry Variant Classification Scheme 2023. Collection method: clinical testing. Allele origin: germline.
Comment: The p.L506V variant (also known as c.1516C>G), located in coding exon 7 of the ALK gene, results from a C to G substitution at nucleotide position 1516. The leucine at codon 506 is replaced by valine, an amino acid with highly similar properties. This amino acid position is conserved. In addition, this alteration is predicted to be tolerated by in silico analysis. Since supporting evidence is limited at this time, the clinical significance of this alteration remains unclear.

NM_004304.5(ALK):c.1516C>G (p.Leu506Val)

Gene: ALK (ALK receptor tyrosine kinase; minus strand). Cytogenetic location: 2p23.2.
Variant type: single nucleotide variant.
Coding change: c.1516C>G on transcript NM_004304.5 (MANE Select); coding-DNA position 1516, C replaced by G.
Protein change: p.Leu506Val; replaces leucine 506 with valine.
Molecular consequence: missense variant.
Genome position (GRCh38, 1-based): chr2:29,320,781, G>C on the plus strand (C>G on the coding strand, the complement: ALK is on the minus strand). VCF-style: chr2-29320781-G-C. GRCh37 (hg19) VCF-style: chr2-29543647-G-C.
Other names: short protein forms L506V.
Identifiers: ClinVar variation 839587 (VCV000839587.13), dbSNP rs765773161, ClinGen allele CA1594634.
Genomic context (GRCh38, chr2:29,320,781, plus strand): 5'-ACCAGAGAGAAGGCAGGAGAGCAGTAGTACCTTGGTGGTCCTGGAACCGGGCATCCTTTA[G>C]GGTCCTGACCTGCCATTGAGGAGTGTGGGGTGACAGTGTGCCTTGGGTCCAGCCACAGAA-3'
Protein context (NP_004295.2, residues 496-516): PHTPQWQVRT[Leu506Val]KDARFQDHQD